The following is an entry in ClinVar:

NM_000038.6(APC):c.2392G>C (p.Asp798His)

Gene: APC (APC regulator of Wnt signaling pathway; plus strand). Cytogenetic location: 5q22.2.
Variant type: single nucleotide variant.
Coding change: c.2392G>C on transcript NM_000038.6 (MANE Select); coding-DNA position 2392, G replaced by C.
Protein change: p.Asp798His; replaces aspartic acid 798 with histidine.
Molecular consequence: missense variant. On other transcripts: non-coding transcript variant (2).
Genome position (GRCh38, 1-based): chr5:112,837,986, G>C. VCF-style: chr5-112837986-G-C. GRCh37 (hg19) VCF-style: chr5-112173683-G-C.
Other names: c.2392G>C, p.Asp798His (NM_001127510.3, NM_001354895.2, NM_001407450.1); c.2338G>C, p.Asp780His (NM_001127511.3); c.2446G>C, p.Asp816His (NM_001354896.2, NM_001407447.1, NM_001407448.1 and 1 more transcripts); c.2422G>C, p.Asp808His (NM_001354897.2); c.2317G>C, p.Asp773His (NM_001354898.2); c.2308G>C, p.Asp770His (NM_001354899.2); c.2269G>C, p.Asp757His (NM_001354900.2); c.2215G>C, p.Asp739His (NM_001354901.2, NM_001407453.1); and 11 more; short protein forms D515H, D780H, D816H, D414H, D672H, D697H, D770H, D788H.
Identifiers: ClinVar variation 3635425 (VCV003635425.2).

ClinVar aggregate classification (germline): Uncertain significance (1 of 4 stars; one submission).

Conditions:
Familial adenomatous polyposis 1 (FAP1). Also called: FAMILIAL ADENOMATOUS POLYPOSIS 1, ATTENUATED; POLYPOSIS, ADENOMATOUS INTESTINAL. Identifiers: MedGen C2713442, MONDO:0021056, OMIM 175100. Disease mechanism: loss of function.

gnomAD v4.1: 1 of 1,614,088 alleles (0.000062%); highest among the groups gnomAD compares: South Asian, 0.0011%; no homozygotes.

Submission:

Labcorp Genetics (formerly Invitae), Labcorp
Classification: Uncertain significance for Familial adenomatous polyposis 1. Last evaluated: 2024-10-10. Review status: criteria provided, single submitter. Criteria: Invitae Variant Classification Sherloc (09022015). Collection method: clinical testing. Allele origin: germline.
Comment: This sequence change replaces aspartic acid, which is acidic and polar, with histidine, which is basic and polar, at codon 798 of the APC protein (p.Asp798His). This variant is present in population databases (rs777515315, gnomAD 0.003%). This variant has not been reported in the literature in individuals affected with APC-related conditions. Invitae Evidence Modeling of protein sequence and biophysical properties (such as structural, functional, and spatial information, amino acid conservation, physicochemical variation, residue mobility, and thermodynamic stability) indicates that this missense variant is not expected to disrupt APC protein function with a negative predictive value of 95%. In summary, the available evidence is currently insufficient to determine the role of this variant in disease. Therefore, it has been classified as a Variant of Uncertain Significance.